The following is an entry in ClinVar:

NM_024809.5(TCTN2):c.1655G>A (p.Ser552Asn)

Gene: TCTN2 (tectonic family member 2; plus strand). Cytogenetic location: 12q24.31.
Variant type: single nucleotide variant.
Coding change: c.1655G>A on transcript NM_024809.5 (MANE Select); coding-DNA position 1655, G replaced by A.
Protein change: p.Ser552Asn; replaces serine 552 with asparagine.
Molecular consequence: missense variant.
Genome position (GRCh38, 1-based): chr12:123,704,574, G>A. VCF-style: chr12-123704574-G-A. GRCh37 (hg19) VCF-style: chr12-124189121-G-A.
Other names: c.1652G>A, p.Ser551Asn (NM_001143850.3); c.1520G>A, p.Ser507Asn (NM_001410989.1); c.1655G>A (NM_024809.3); short protein forms S552N, S507N, S551N.
Identifiers: ClinVar variation 1983933 (VCV001983933.5), dbSNP rs184121410, ClinGen allele CA6861294.

ClinVar aggregate classification (germline): Uncertain significance. Review status: criteria provided, multiple submitters, no conflicts (2 of 4 stars). 3 submissions from 3 submitters: Uncertain significance (3). Last evaluated 2024-12-02.

Conditions:
Meckel syndrome, type 8. Identifiers: Orphanet 564, MedGen C3836857, MONDO:0013482, OMIM 613885.
Joubert syndrome 24 (JBTS24). Identifiers: Orphanet 475, MedGen C4084841, MONDO:0014724, OMIM 616654.
Inborn genetic diseases. Identifiers: MedGen C0950123, MeSH D030342.
Joubert syndrome. Also called: CEREBELLOPARENCHYMAL DISORDER IV; JOUBERT-BOLTSHAUSER SYNDROME; Familial aplasia of the vermis. Identifiers: Orphanet 475, MedGen C5979921, MONDO:0018772.
Meckel-Gruber syndrome. Also called: DYSENCEPHALIA SPLANCHNOCYSTICA; GRUBER SYNDROME; Dysencephalia splachnocystica. Identifiers: Orphanet 564, MedGen C0265215, MONDO:0018921.

Allele frequency attached by ClinVar (database versions not stated): 1000 Genomes Project 0.00020; TOPMed below 0.00001; ExAC 0.00001; gnomAD 0.00001; gnomAD exomes 0.00001; 1000 Genomes Project 30x 0.00016.
gnomAD v4.1: 14 of 1,613,660 alleles (0.00087%); highest among the groups gnomAD compares: Middle Eastern, 0.017%; no homozygotes.

Submissions (3):

Labcorp Genetics (formerly Invitae), Labcorp
Classification: Uncertain significance for Joubert syndrome; Meckel-Gruber syndrome. Last evaluated: 2024-12-02. Review status: criteria provided, single submitter. Criteria: Invitae Variant Classification Sherloc (09022015). Collection method: clinical testing. Allele origin: germline.
Comment: This sequence change replaces serine, which is neutral and polar, with asparagine, which is neutral and polar, at codon 552 of the TCTN2 protein (p.Ser552Asn). This variant is present in population databases (rs184121410, gnomAD 0.002%). This variant has not been reported in the literature in individuals affected with TCTN2-related conditions. ClinVar contains an entry for this variant (Variation ID: 1983933). Invitae Evidence Modeling of protein sequence and biophysical properties (such as structural, functional, and spatial information, amino acid conservation, physicochemical variation, residue mobility, and thermodynamic stability) indicates that this missense variant is not expected to disrupt TCTN2 protein function with a negative predictive value of 80%. In summary, the available evidence is currently insufficient to determine the role of this variant in disease. Therefore, it has been classified as a Variant of Uncertain Significance.

Ambry Genetics
Classification: Uncertain significance for Inborn genetic diseases. Last evaluated: 2024-08-27. Review status: criteria provided, single submitter. Criteria: Ambry Variant Classification Scheme 2023. Collection method: clinical testing. Allele origin: germline.

Fulgent Genetics
Classification: Uncertain significance for Meckel syndrome, type 8; Joubert syndrome 24. Last evaluated: 2024-05-17. Review status: criteria provided, single submitter. Criteria: ACMG Guidelines, 2015. Collection method: clinical testing. Allele origin: germline.